The following is an entry in ClinVar:

ClinVar aggregate classification (germline): Likely benign. Review status: criteria provided, multiple submitters, no conflicts (2 of 4 stars). 2 submissions from 2 submitters: Likely benign (2). Last evaluated 2025-03-19.

Allele frequency attached by ClinVar (database versions not stated): gnomAD 0.00001; ExAC 0.00003; TOPMed 0.00003.
gnomAD v4.1: 18 of 1,607,238 alleles (0.0011%); highest among the groups gnomAD compares: Admixed American, 0.0033%; no homozygotes.

Submissions (2):

Labcorp Genetics (formerly Invitae), Labcorp
Classification: Likely benign. Last evaluated: 2025-03-19. Review status: criteria provided, single submitter. Criteria: Invitae Variant Classification Sherloc (09022015). Collection method: clinical testing. Allele origin: germline.

CeGaT Center for Human Genetics Tuebingen
Classification: Likely benign. Last evaluated: 2023-01-01. Review status: criteria provided, single submitter. Criteria: CeGaT Center For Human Genetics Tuebingen Variant Classification Criteria Version 2. Collection method: clinical testing. Allele origin: germline. Affected: yes. Observed: 1 variant allele.
Comment: FGFRL1: BP4, BP7

NM_001004356.3(FGFRL1):c.648C>T (p.Ser216=)

Gene: FGFRL1 (fibroblast growth factor receptor like 1; plus strand). Cytogenetic location: 4p16.3.
Variant type: single nucleotide variant.
Coding change: c.648C>T on transcript NM_001004356.3 (MANE Select); coding-DNA position 648, C replaced by T.
Protein change: p.Ser216=; no amino-acid change (serine 216 retained).
Molecular consequence: synonymous variant.
Genome position (GRCh38, 1-based): chr4:1,024,031, C>T. VCF-style: chr4-1024031-C-T. GRCh37 (hg19) VCF-style: chr4-1017819-C-T.
Other names: c.648C>T, p.Ser216= (NM_001004358.1, NM_001370296.1, NM_021923.3).
Identifiers: ClinVar variation 1896430 (VCV001896430.29), dbSNP rs765681967, ClinGen allele CA2802788.